The following is an entry in ClinVar:

NM_020975.6(RET):c.3187+37G>A

Gene: RET (ret proto-oncogene; plus strand). Cytogenetic location: 10q11.21.
Variant type: single nucleotide variant.
Coding change: c.3187+37G>A on transcript NM_020975.6 (MANE Select); 37 bases into the intron after coding-DNA position 3187, G replaced by A.
Molecular consequence: intron variant. On other transcripts: 3 prime UTR variant (18).
Genome position (GRCh38, 1-based): chr10:43,126,759, G>A. VCF-style: chr10-43126759-G-A. GRCh37 (hg19) VCF-style: chr10-43622207-G-A.
Other names: c.*5G>A (NM_001355216.2, NM_001406764.1, NM_001406765.1 and 15 more transcripts); c.3187+37G>A (NM_001406743.1, NM_001406744.1); c.3127+97G>A (NM_001406759.1, NM_001406760.1); c.3052+37G>A (NM_001406763.1); c.2791+37G>A (NM_001406769.1); c.2749+37G>A (NM_001406771.1); c.2290+37G>A (NM_001406780.1, NM_001406779.1, NM_001406781.1); c.3058+37G>A (NM_001406762.1, NM_001406761.1); and 7 more.
Identifiers: ClinVar variation 4990119 (VCV004990119.1).

ClinVar aggregate classification (germline): Likely benign (1 of 4 stars; one submission).

Conditions:
RET-related disorder. Also called: RET-related condition; RET-related disease; RET-related disorders.

gnomAD v4.1: 67 of 1,609,544 alleles (0.0042%); highest among the groups gnomAD compares: African/African-American, 0.011%; no homozygotes.

Submission:

PreventionGenetics, part of Exact Sciences
Classification: Likely benign for RET-related condition. Last evaluated: 2025-04-27. Review status: criteria provided, single submitter. Criteria: ACMG Guidelines, 2015. Collection method: clinical testing. Allele origin: germline.
Comment: This variant is classified as likely benign based on ACMG/AMP sequence variant interpretation guidelines (Richards et al. 2015 PMID: 25741868, with internal and published modifications).